The following is an entry in ClinVar:

NM_032043.3(BRIP1):c.1861_1863del (p.Lys621del)

Gene: BRIP1 (BRCA1 interacting DNA helicase 1; minus strand). Cytogenetic location: 17q23.2.
Variant type: Deletion.
Coding change: c.1861_1863del on transcript NM_032043.3 (MANE Select); coding-DNA positions 1861 to 1863, 3 bases deleted (AAA; older notation c.1861_1863delAAA).
Protein change: p.Lys621del; deletes lysine 621.
Genome position (GRCh38, 1-based): chr17:61,780,333-61,780,335, TTT deleted on the plus strand (AAA on the coding strand, the reverse complement: BRIP1 is on the minus strand). VCF-style (leftmost placement, unchanged base first): chr17-61780332-ATTT-A. GRCh37 (hg19) VCF-style: chr17-59857693-ATTT-A.
Other names: short protein forms K621del.
Identifiers: ClinVar variation 3482438 (VCV003482438.1).

ClinVar aggregate classification (germline): Uncertain significance (1 of 4 stars; one submission).

Conditions:
Hereditary cancer-predisposing syndrome. Also called: Tumor predisposition; Neoplastic Syndromes, Hereditary; Hereditary Cancer Syndrome; Hereditary neoplastic syndrome. Identifiers: Orphanet 140162, MedGen C0027672, MeSH D009386, MONDO:0015356.

Submission:

Ambry Genetics
Classification: Uncertain significance for Hereditary cancer-predisposing syndrome. Last evaluated: 2024-08-19. Review status: criteria provided, single submitter. Criteria: Ambry Variant Classification Scheme 2023. Collection method: clinical testing. Allele origin: germline.
Comment: The c.1861_1863delAAA variant (also known as p.K621del) is located in coding exon 12 of the BRIP1 gene. This variant results from an in-frame AAA deletion at nucleotide positions 1861 to 1863. This results in the in-frame deletion of a lysine at codon 621. This amino acid position is not well conserved in available vertebrate species. In addition, this alteration is predicted to be deleterious by in silico analysis (Choi Y et al. PLoS ONE. 2012; 7(10):e46688). Since supporting evidence is limited at this time, the clinical significance of this alteration remains unclear.